The following is an entry in ClinVar:

NM_001042545.2(LTBP4):c.3916A>G (p.Thr1306Ala)

Gene: LTBP4 (latent transforming growth factor beta binding protein 4; plus strand). Cytogenetic location: 19q13.2.
Variant type: single nucleotide variant.
Coding change: c.3916A>G on transcript NM_001042545.2 (MANE Select); coding-DNA position 3916, A replaced by G.
Protein change: p.Thr1306Ala; replaces threonine 1306 with alanine.
Molecular consequence: missense variant.
Genome position (GRCh38, 1-based): chr19:40,625,940, A>G. VCF-style: chr19-40625940-A-G. GRCh37 (hg19) VCF-style: chr19-41131845-A-G.
Other names: c.4117A>G, p.Thr1373Ala (NM_001042544.1); c.4006A>G, p.Thr1336Ala (NM_003573.2); short protein forms T1306A, T1336A, T1373A.
Identifiers: ClinVar variation 2628589 (VCV002628589.2), dbSNP rs1444828635, ClinGen allele CA405909751.

ClinVar aggregate classification (germline): Uncertain significance. Review status: criteria provided, multiple submitters, no conflicts (2 of 4 stars). 2 submissions from 2 submitters: Uncertain significance (2). Last evaluated 2023-10-10.

Conditions:
LTBP4-related disorder. Also called: LTBP4-related condition.

Allele frequency attached by ClinVar (database versions not stated): gnomAD exomes below 0.00001; gnomAD 0.00001; TOPMed 0.00002.
gnomAD v4.1: 3 of 1,606,966 alleles (0.00019%); highest among the groups gnomAD compares: East Asian, 0.0067%; no homozygotes.

Submissions (2):

PreventionGenetics, part of Exact Sciences
Classification: Uncertain significance for LTBP4-related condition. Last evaluated: 2023-10-10. Review status: criteria provided, single submitter. Criteria: ACMG Guidelines, 2015. Collection method: clinical testing. Allele origin: germline.
Comment: The LTBP4 c.4006A>G variant is predicted to result in the amino acid substitution p.Thr1336Ala. To our knowledge, this variant has not been reported in the literature. This variant is reported in 0.029% of alleles in individuals of East Asian descent in gnomAD. At this time, the clinical significance of this variant is uncertain due to the absence of conclusive functional and genetic evidence.

GeneDx
Classification: Uncertain significance. Last evaluated: 2023-06-15. Review status: criteria provided, single submitter. Criteria: GeneDx Variant Classification Process June 2021. Collection method: clinical testing. Allele origin: germline. Affected: yes.
Comment: Has not been previously published as pathogenic or benign to our knowledge; In silico analysis supports that this missense variant has a deleterious effect on protein structure/function